The following is an entry in ClinVar:

NM_001035.3(RYR2):c.2215C>T (p.Arg739Cys)

Gene: RYR2 (ryanodine receptor 2; plus strand). Cytogenetic location: 1q43.
Variant type: single nucleotide variant.
Coding change: c.2215C>T on transcript NM_001035.3 (MANE Select); coding-DNA position 2215, C replaced by T.
Protein change: p.Arg739Cys; replaces arginine 739 with cysteine.
Molecular consequence: missense variant.
Genome position (GRCh38, 1-based): chr1:237,500,722, C>T. VCF-style: chr1-237500722-C-T. GRCh37 (hg19) VCF-style: chr1-237664022-C-T.
Other names: short protein forms R739C.
Identifiers: ClinVar variation 968222 (VCV000968222.17), dbSNP rs1170501862, ClinGen allele CA345393024.

ClinVar aggregate classification (germline): Uncertain significance. Review status: criteria provided, multiple submitters, no conflicts (2 of 4 stars). 4 submissions from 4 submitters: Uncertain significance (4). Last evaluated 2024-12-04.

Conditions:
Cardiovascular phenotype. Identifiers: MedGen CN230736.
Cardiomyopathy (CMYO). Also called: Cardiomyopathies. Identifiers: Orphanet 167848, MedGen C0878544, MONDO:0004994, HP:0001638. Inheritance: Various modes of inheritance.
Catecholaminergic polymorphic ventricular tachycardia 1. Also called: VENTRICULAR TACHYCARDIA, CATECHOLAMINERGIC POLYMORPHIC, 1, WITH OR WITHOUT ATRIAL DYSFUNCTION AND/OR DILATED CARDIOMYOPATHY; RYR2-Related Catecholaminergic Polymorphic Ventricular Tachycardia; VENTRICULAR TACHYCARDIA, STRESS-INDUCED POLYMORPHIC 1. Identifiers: Orphanet 3286, MedGen C1631597, MONDO:0011484, OMIM 604772.
Catecholaminergic polymorphic ventricular tachycardia (CVPT). Also called: Catecholamine-induced polymorphic ventricular tachycardia. Identifiers: Orphanet 3286, MedGen C5574922, MONDO:0017990.

Allele frequency attached by ClinVar (database versions not stated): gnomAD 0.00001; gnomAD exomes 0.00001; TOPMed 0.00001.
gnomAD v4.1: 12 of 1,607,658 alleles (0.00075%); highest among the groups gnomAD compares: African/African-American, 0.0027%; no homozygotes.

Submissions (4):

Labcorp Genetics (formerly Invitae), Labcorp
Classification: Uncertain significance for Catecholaminergic polymorphic ventricular tachycardia 1. Last evaluated: 2024-12-04. Review status: criteria provided, single submitter. Criteria: Invitae Variant Classification Sherloc (09022015). Collection method: clinical testing. Allele origin: germline.
Comment: This sequence change replaces arginine, which is basic and polar, with cysteine, which is neutral and slightly polar, at codon 739 of the RYR2 protein (p.Arg739Cys). This variant is not present in population databases (gnomAD no frequency). This variant has not been reported in the literature in individuals affected with RYR2-related conditions. ClinVar contains an entry for this variant (Variation ID: 968222). Invitae Evidence Modeling of protein sequence and biophysical properties (such as structural, functional, and spatial information, amino acid conservation, physicochemical variation, residue mobility, and thermodynamic stability) indicates that this missense variant is not expected to disrupt RYR2 protein function with a negative predictive value of 95%. In summary, the available evidence is currently insufficient to determine the role of this variant in disease. Therefore, it has been classified as a Variant of Uncertain Significance.

All of Us Research Program, National Institutes of Health
Classification: Uncertain significance for Catecholaminergic polymorphic ventricular tachycardia. Last evaluated: 2024-09-23. Review status: criteria provided, single submitter. Criteria: ACMG Guidelines, 2015. Collection method: clinical testing. Allele origin: germline. Inheritance: Autosomal dominant inheritance. Observed: 4 variant alleles, 4 heterozygotes.
Comment: This missense variant replaces arginine with cysteine at codon 739 of the RYR2 protein. Computational prediction suggests that this variant may not impact protein structure and function (internally defined REVEL score threshold <= 0.5, PMID: 27666373). To our knowledge, functional studies have not been reported for this variant. This variant has not been reported in individuals affected with cardiovascular disorders in the literature. This variant has not been identified in the general population by the Genome Aggregation Database (gnomAD). The available evidence is insufficient to determine the role of this variant in disease conclusively. Therefore, this variant is classified as a Variant of Uncertain Significance.

This study involves interpretation of variants in research participants for the purpose of population health screening. Participant phenotype was not available at the time of variant classification. Additional details can be found in publication PMID: 35346344, PMCID: PMC8962531

Color Diagnostics, LLC DBA Color Health
Classification: Uncertain significance for Cardiomyopathy. Last evaluated: 2024-03-06. Review status: criteria provided, single submitter. Criteria: ACMG Guidelines, 2015. Collection method: clinical testing. Allele origin: germline.
Comment: This missense variant replaces arginine with cysteine at codon 739 of the RYR2 protein. Computational prediction suggests that this variant may not impact protein structure and function (internally defined REVEL score threshold <= 0.5, PMID: 27666373). To our knowledge, functional studies have not been reported for this variant. This variant has not been reported in individuals affected with cardiovascular disorders in the literature. This variant has not been identified in the general population by the Genome Aggregation Database (gnomAD). The available evidence is insufficient to determine the role of this variant in disease conclusively. Therefore, this variant is classified as a Variant of Uncertain Significance.

Ambry Genetics
Classification: Uncertain significance for Cardiovascular phenotype. Last evaluated: 2023-08-23. Review status: criteria provided, single submitter. Criteria: Ambry Variant Classification Scheme 2023. Collection method: clinical testing. Allele origin: germline.
Comment: The p.R739C variant (also known as c.2215C>T), located in coding exon 21 of the RYR2 gene, results from a C to T substitution at nucleotide position 2215. The arginine at codon 739 is replaced by cysteine, an amino acid with highly dissimilar properties. This amino acid position is highly conserved in available vertebrate species. In addition, the in silico prediction for this alteration is inconclusive. Since supporting evidence is limited at this time, the clinical significance of this alteration remains unclear.